The following is an entry in ClinVar:

NM_033028.5(BBS4):c.289A>C (p.Ser97Arg)

Gene: BBS4 (Bardet-Biedl syndrome 4; plus strand). Cytogenetic location: 15q24.1.
Variant type: single nucleotide variant.
Coding change: c.289A>C on transcript NM_033028.5 (MANE Select); coding-DNA position 289, A replaced by C.
Protein change: p.Ser97Arg; replaces serine 97 with arginine.
Molecular consequence: missense variant. On other transcripts: 5 prime UTR variant (1), non-coding transcript variant (2).
Genome position (GRCh38, 1-based): chr15:72,715,359, A>C. VCF-style: chr15-72715359-A-C. GRCh37 (hg19) VCF-style: chr15-73007700-A-C.
Other names: c.-233A>C (NM_001252678.2); c.289A>C, p.Ser97Arg (NM_001320665.2); short protein forms S97R.
Identifiers: ClinVar variation 862856 (VCV000862856.12), dbSNP rs2065449512, ClinGen allele CA393076813.

ClinVar aggregate classification (germline): Uncertain significance. Review status: criteria provided, multiple submitters, no conflicts (2 of 4 stars). 4 submissions from 4 submitters: Uncertain significance (2). 2 of the submissions do not count toward it. Last evaluated 2025-11-26.

Conditions:
BBS4-related disorder. Also called: BBS4-related condition.
Bardet-Biedl syndrome (BBS). Identifiers: Orphanet 110, MedGen C0752166, MONDO:0015229.

Allele frequency attached by ClinVar (database versions not stated): gnomAD exomes below 0.00001; gnomAD 0.00001.
gnomAD v4.1: 8 of 1,614,014 alleles (0.0005%); highest among the groups gnomAD compares: Non-Finnish European, 0.00068%; no homozygotes.

Submissions (4):

PreventionGenetics, part of Exact Sciences
Classification: Uncertain significance for BBS4-related condition. Last evaluated: 2025-11-26. Review status: criteria provided, single submitter. Criteria: ACMG Guidelines, 2015. Collection method: clinical testing. Allele origin: germline.
Comment: The BBS4 c.289A>C variant is predicted to result in the amino acid substitution p.Ser97Arg. To our knowledge, this variant has not been reported in the literature or in a large population database (gnomAD), indicating this variant is rare. At this time, the clinical significance of this variant is uncertain due to the absence of conclusive functional and genetic evidence.

Labcorp Genetics (formerly Invitae), Labcorp
Classification: Uncertain significance for Bardet-Biedl syndrome. Last evaluated: 2021-08-24. Review status: criteria provided, single submitter. Criteria: Invitae Variant Classification Sherloc (09022015). Collection method: clinical testing. Allele origin: germline.
Comment: This sequence change replaces serine with arginine at codon 97 of the BBS4 protein (p.Ser97Arg). The serine residue is moderately conserved and there is a moderate physicochemical difference between serine and arginine. This variant is not present in population databases (ExAC no frequency). This variant has not been reported in the literature in individuals affected with BBS4-related conditions. Algorithms developed to predict the effect of missense changes on protein structure and function are either unavailable or do not agree on the potential impact of this missense change (SIFT: "Deleterious"; PolyPhen-2: "Benign"; Align-GVGD: "Class C25"). In summary, the available evidence is currently insufficient to determine the role of this variant in disease. Therefore, it has been classified as a Variant of Uncertain Significance.

Clinical Genetics, Academic Medical Center
Classification: Uncertain significance. Review status: no assertion criteria provided. Collection method: clinical testing. Allele origin: germline. Affected: yes. Study: VKGL Data-share Consensus. Not counted in ClinVar's aggregate classification.

Laboratory of Diagnostic Genome Analysis, Leiden University Medical Center (LUMC)
Classification: Uncertain significance. Review status: no assertion criteria provided. Collection method: clinical testing. Allele origin: germline. Affected: yes. Study: VKGL Data-share Consensus. Not counted in ClinVar's aggregate classification.